The following is an entry in ClinVar:

NM_001375524.1(TRRAP):c.532G>A (p.Val178Met)

Gene: TRRAP (transformation/transcription domain associated protein; plus strand). Cytogenetic location: 7q22.1.
Variant type: single nucleotide variant.
Coding change: c.532G>A on transcript NM_001375524.1 (MANE Select); coding-DNA position 532, G replaced by A.
Protein change: p.Val178Met; replaces valine 178 with methionine.
Molecular consequence: missense variant.
Genome position (GRCh38, 1-based): chr7:98,897,765, G>A. VCF-style: chr7-98897765-G-A. GRCh37 (hg19) VCF-style: chr7-98495388-G-A.
Other names: c.532G>A, p.Val178Met (NM_001244580.2, NM_003496.4); c.532G>A (NM_001244580.1); short protein forms V178M.
Identifiers: ClinVar variation 1988618 (VCV001988618.5), dbSNP rs782754249, ClinGen allele CA4359277.

ClinVar aggregate classification (germline): Uncertain significance. Review status: criteria provided, multiple submitters, no conflicts (2 of 4 stars). 2 submissions from 2 submitters: Uncertain significance (2). Last evaluated 2025-08-07.

Conditions:
Inborn genetic diseases. Identifiers: MedGen C0950123, MeSH D030342.

Allele frequency attached by ClinVar (database versions not stated): ExAC 0.00001; gnomAD 0.00001; TOPMed 0.00002; gnomAD exomes 0.00004.
gnomAD v4.1: 64 of 1,613,392 alleles (0.004%); highest among the groups gnomAD compares: Non-Finnish European, 0.0053%; no homozygotes.

Submissions (2):

Ambry Genetics
Classification: Uncertain significance for Inborn genetic diseases. Last evaluated: 2025-08-07. Review status: criteria provided, single submitter. Criteria: Ambry Variant Classification Scheme 2023. Collection method: clinical testing. Allele origin: germline.

Labcorp Genetics (formerly Invitae), Labcorp
Classification: Uncertain significance. Last evaluated: 2025-01-29. Review status: criteria provided, single submitter. Criteria: Invitae Variant Classification Sherloc (09022015). Collection method: clinical testing. Allele origin: germline.
Comment: This sequence change replaces valine, which is neutral and non-polar, with methionine, which is neutral and non-polar, at codon 178 of the TRRAP protein (p.Val178Met). This variant is present in population databases (rs782754249, gnomAD 0.004%). This variant has not been reported in the literature in individuals affected with TRRAP-related conditions. ClinVar contains an entry for this variant (Variation ID: 1988618). Invitae Evidence Modeling of protein sequence and biophysical properties (such as structural, functional, and spatial information, amino acid conservation, physicochemical variation, residue mobility, and thermodynamic stability) indicates that this missense variant is not expected to disrupt TRRAP protein function with a negative predictive value of 80%. In summary, the available evidence is currently insufficient to determine the role of this variant in disease. Therefore, it has been classified as a Variant of Uncertain Significance.